The following is an entry in ClinVar:

ClinVar aggregate classification (germline): Uncertain significance (1 of 4 stars; one submission).

Conditions:
Long QT syndrome (LQTS). Identifiers: MedGen C0023976, MeSH D008133, MONDO:0002442. Disease mechanism: loss of function. Inheritance: Various modes of inheritance.

Submission:

All of Us Research Program, National Institutes of Health
Classification: Uncertain significance for Long QT syndrome. Last evaluated: 2023-03-04. Review status: criteria provided, single submitter. Criteria: ACMG Guidelines, 2015. Collection method: clinical testing. Allele origin: germline. Inheritance: Autosomal dominant inheritance. Observed: 1 variant allele, 1 heterozygote.
Comment: This study involves interpretation of variants in research participants for the purpose of population health screening. Participant phenotype was not available at the time of variant classification. Additional details can be found in publication PMID: 35346344, PMCID: PMC8962531

NM_000218.3(KCNQ1):c.909_910insGTGGTGGGGGGTGGTAA (p.Trp304fs)

Gene: KCNQ1 (potassium voltage-gated channel subfamily Q member 1; plus strand). Cytogenetic location: 11p15.5.
Variant type: Insertion.
Coding change: c.909_910insGTGGTGGGGGGTGGTAA on transcript NM_000218.3 (MANE Select); coding-DNA positions 909 to 910, GTGGTGGGGGGTGGTAA inserted.
Protein change: p.Trp304fs; shifts the reading frame from tryptophan 304.
Molecular consequence: frameshift variant. On other transcripts: intron variant (1).
Genome position: GRCh38 VCF-style: chr11-2572974-G-GGTGGTGGGGGGTGGTAA. GRCh37 (hg19) VCF-style: chr11-2594204-G-GGTGGTGGGGGGTGGTAA.
Other names: c.909_910insGTGGTGGGGGGTGGTAA, p.Trp304fs (NM_001406836.1); c.639_640insGTGGTGGGGGGTGGTAA, p.Trp214fs (NM_001406837.1); c.528_529insGTGGTGGGGGGTGGTAA, p.Trp177fs (NM_181798.2); c.478-10461_478-10460insGTGGTGGGGGGTGGTAA (NM_001406838.1); short protein forms W177fs, W214fs, W304fs.
Identifiers: ClinVar variation 3069739 (VCV003069739.1), dbSNP rs2493674355, ClinGen allele CA2825001867.